The following is an entry in ClinVar:

ClinVar aggregate classification (germline): Uncertain significance (1 of 4 stars; one submission).

gnomAD v4.1: 49 of 1,614,186 alleles (0.003%); highest among the groups gnomAD compares: Middle Eastern, 0.049%; no homozygotes.

Submission:

Ambry Genetics
Classification: Uncertain significance. Last evaluated: 2025-04-24. Review status: criteria provided, single submitter. Criteria: Ambry Variant Classification Scheme 2023. Collection method: clinical testing. Allele origin: germline.
Comment: Does not currently meet published gene-disease clinical validity criteria Based on insufficient or conflicting evidence, the clinical significance of this alteration remains unclear.

Literature cited by the submitters: PubMed 28106320.

NM_003661.4(APOL1):c.-20+773G>C

Gene: APOL1 (apolipoprotein L1; plus strand). Cytogenetic location: 22q12.3.
Variant type: single nucleotide variant.
Coding change: c.-20+773G>C on transcript NM_003661.4 (MANE Select); 773 bases into the intron after 20 bases upstream of the start codon, G replaced by C.
Molecular consequence: intron variant. On other transcripts: splice donor variant (1).
Genome position (GRCh38, 1-based): chr22:36,253,992, G>C. VCF-style: chr22-36253992-G-C. GRCh37 (hg19) VCF-style: chr22-36650038-G-C.
Other names: c.29+1G>C (NM_145343.3); c.-59+773G>C (NM_001136540.2, NM_001362927.2); c.-20+773G>C (NM_001136541.2).
Identifiers: ClinVar variation 3934934 (VCV003934934.1).